The following is an entry in ClinVar:

ClinVar aggregate classification (germline): Uncertain significance (1 of 4 stars; one submission).

Conditions:
Glutamate formiminotransferase deficiency. Also called: Arakawa syndrome 1; Formiminoglutamic aciduria. Identifiers: Orphanet 51208, MedGen C0268609, MONDO:0009240, OMIM 229100.

Allele frequency attached by ClinVar (database versions not stated): gnomAD exomes 0.00002 and 0.00003; ExAC 0.00004; gnomAD 0.00004; TOPMed 0.00004; ESP Exome Variant Server 0.00008.
gnomAD v4.1: 35 of 1,612,840 alleles (0.0022%); highest among the groups gnomAD compares: African/African-American, 0.011%; no homozygotes.

Submission:

Labcorp Genetics (formerly Invitae), Labcorp
Classification: Uncertain significance for Glutamate formiminotransferase deficiency. Last evaluated: 2022-01-11. Review status: criteria provided, single submitter. Criteria: Invitae Variant Classification Sherloc (09022015). Collection method: clinical testing. Allele origin: germline.
Comment: In summary, the available evidence is currently insufficient to determine the role of this variant in disease. Therefore, it has been classified as a Variant of Uncertain Significance. Algorithms developed to predict the effect of missense changes on protein structure and function (SIFT, PolyPhen-2, Align-GVGD) all suggest that this variant is likely to be disruptive. This variant has not been reported in the literature in individuals affected with FTCD-related conditions. This variant is present in population databases (rs368109014, gnomAD 0.008%). This sequence change replaces valine, which is neutral and non-polar, with isoleucine, which is neutral and non-polar, at codon 8 of the FTCD protein (p.Val8Ile).

NM_206965.2(FTCD):c.22G>A (p.Val8Ile)

Gene: FTCD (formimidoyltransferase cyclodeaminase; minus strand). Cytogenetic location: 21q22.3.
Variant type: single nucleotide variant.
Coding change: c.22G>A on transcript NM_206965.2 (MANE Select); coding-DNA position 22, G replaced by A.
Protein change: p.Val8Ile; replaces valine 8 with isoleucine.
Molecular consequence: missense variant.
Genome position (GRCh38, 1-based): chr21:46,155,502, C>T on the plus strand (G>A on the coding strand, the complement: FTCD is on the minus strand). VCF-style: chr21-46155502-C-T. GRCh37 (hg19) VCF-style: chr21-47575416-C-T.
Other names: c.22G>A, p.Val8Ile (NM_001320412.2, NM_006657.3); short protein forms V8I.
Identifiers: ClinVar variation 1441070 (VCV001441070.8), dbSNP rs368109014, ClinGen allele CA10074109.